The following is an entry in ClinVar:

NM_021614.4(KCNN2):c.1714G>A (p.Gly572Ser)

Genes: KCNN2 (potassium calcium-activated channel subfamily N member 2; plus strand), LOC101927078 (uncharacterized LOC101927078; minus strand). Cytogenetic location: 5q22.3.
Variant type: single nucleotide variant.
Coding change: c.1714G>A on transcript NM_021614.4 (MANE Select); coding-DNA position 1714, G replaced by A.
Protein change: p.Gly572Ser; replaces glycine 572 with serine.
Molecular consequence: missense variant. On other transcripts: non-coding transcript variant (2).
Genome position (GRCh38, 1-based): chr5:114,463,125, G>A. VCF-style: chr5-114463125-G-A. GRCh37 (hg19) VCF-style: chr5-113798822-G-A.
Other names: c.1912G>A, p.Gly638Ser (NM_001372233.1); c.34G>A, p.Gly12Ser (NM_170775.3); short protein forms G12S, G572S, G638S.
Identifiers: ClinVar variation 3373312 (VCV003373312.1).

ClinVar aggregate classification (germline): Uncertain significance (1 of 4 stars; one submission).

Submission:

GeneDx
Classification: Uncertain significance. Last evaluated: 2024-02-27. Review status: criteria provided, single submitter. Criteria: GeneDx Variant Classification Process June 2021. Collection method: clinical testing. Allele origin: germline. Affected: yes.
Comment: Not observed at significant frequency in large population cohorts (gnomAD); In silico analysis supports that this missense variant has a deleterious effect on protein structure/function; Has not been previously published as pathogenic or benign to our knowledge